The following is an entry in ClinVar:

Conditions:
Long QT syndrome 5 (LQT5). Identifiers: Orphanet 101016, Orphanet 768, MedGen C1867904, MONDO:0013372, OMIM 613695.

Submission:

Roden Lab, Vanderbilt University Medical Center
No classification provided (evidence only). Condition: Long QT syndrome 5. Review status: no classification provided. Collection method: in vitro. Allele origin: not applicable. Functional consequence: Effect on ion channel function.
ClinVar note: "not provided" was previously submitted as the classification for the variant. However, the classification appeared to be based only on an observation of functional data so it was converted to no classification on 2025-07-30.

NM_000219.6(KCNE1):c.105C>A (p.Pro35=)

Gene: KCNE1 (potassium voltage-gated channel subfamily E regulatory subunit 1; minus strand). Cytogenetic location: 21q22.12.
Variant type: single nucleotide variant.
Coding change: c.105C>A on transcript NM_000219.6 (MANE Select); coding-DNA position 105, C replaced by A.
Protein change: p.Pro35=; no amino-acid change (proline 35 retained).
Molecular consequence: synonymous variant.
Genome position (GRCh38, 1-based): chr21:34,449,530, G>T on the plus strand (C>A on the coding strand, the complement: KCNE1 is on the minus strand). VCF-style: chr21-34449530-G-T. GRCh37 (hg19) VCF-style: chr21-35821828-G-T.
Other names: c.105C>A, p.Pro35= (NM_001127668.4, NM_001127669.4, NM_001127670.4 and 4 more transcripts).
Identifiers: ClinVar variation 3374061 (VCV003374061.2).